The following is an entry in ClinVar:

ClinVar aggregate classification (germline): Benign/Likely benign. Review status: criteria provided, multiple submitters, no conflicts (2 of 4 stars). 2 submissions from 2 submitters: Benign (1); Likely benign (1). Last evaluated 2026-07-01.

Allele frequency attached by ClinVar (database versions not stated): TOPMed 0.00062; gnomAD exomes 0.00076 and 0.00102; ESP Exome Variant Server 0.00077; ExAC 0.00121; gnomAD 0.00132 and 0.00142.
gnomAD v4.1: 1,297 of 1,612,804 alleles (0.08%); highest among the groups gnomAD compares: Non-Finnish European, 0.094%; 3 homozygotes.

Submissions (2):

CeGaT Center for Human Genetics Tuebingen
Classification: Likely benign. Last evaluated: 2026-07-01. Review status: criteria provided, single submitter. Criteria: CeGaT Center For Human Genetics Tuebingen Variant Classification Criteria Version 2. Collection method: clinical testing. Allele origin: germline. Affected: yes. Observed: 9 variant alleles.
Comment: PMPCA: BS2

Labcorp Genetics (formerly Invitae), Labcorp
Classification: Benign. Last evaluated: 2025-11-18. Review status: criteria provided, single submitter. Criteria: Invitae Variant Classification Sherloc (09022015). Collection method: clinical testing. Allele origin: germline.

NM_015160.3(PMPCA):c.464C>T (p.Ala155Val)

Gene: PMPCA (peptidase, mitochondrial processing subunit alpha; plus strand). Cytogenetic location: 9q34.3.
Variant type: single nucleotide variant.
Coding change: c.464C>T on transcript NM_015160.3 (MANE Select); coding-DNA position 464, C replaced by T.
Protein change: p.Ala155Val; replaces alanine 155 with valine.
Molecular consequence: missense variant. On other transcripts: intron variant (1).
Genome position (GRCh38, 1-based): chr9:136,414,579, C>T. VCF-style: chr9-136414579-C-T. GRCh37 (hg19) VCF-style: chr9-139309031-C-T.
Other names: c.164C>T, p.Ala55Val (NM_001282946.2); c.139+1687C>T (NM_001282944.2); short protein forms A155V, A55V.
Identifiers: ClinVar variation 713914 (VCV000713914.31), dbSNP rs148940590, ClinGen allele CA5336000.
Genomic context (GRCh38, chr9:136,414,579, plus strand): 5'-GGGCCTGGCATTATGGGCTTGTGTTTTCTTCCAGAGACACCACCATGTATGCTGTGTCTG[C>T]TGATAGCAAAGGCTTGGACACGGTGGTTGCCTTACTGGCTGATGTGGTTCTGCAGCCCCG-3'
Protein context (NP_055975.1, residues 145-165): SRDTTMYAVS[Ala155Val]DSKGLDTVVA